The following is an entry in ClinVar:

ClinVar aggregate classification (germline): Uncertain significance. Review status: criteria provided, multiple submitters, no conflicts (2 of 4 stars). 5 submissions from 5 submitters: Uncertain significance (5). Last evaluated 2025-08-01.

Conditions:
Catecholaminergic polymorphic ventricular tachycardia (CVPT). Also called: Catecholamine-induced polymorphic ventricular tachycardia. Identifiers: Orphanet 3286, MedGen C5574922, MONDO:0017990.
Cardiovascular phenotype. Identifiers: MedGen CN230736.
Catecholaminergic polymorphic ventricular tachycardia 1. Also called: VENTRICULAR TACHYCARDIA, STRESS-INDUCED POLYMORPHIC 1; VENTRICULAR TACHYCARDIA, CATECHOLAMINERGIC POLYMORPHIC, 1, WITH OR WITHOUT ATRIAL DYSFUNCTION AND/OR DILATED CARDIOMYOPATHY; RYR2-Related Catecholaminergic Polymorphic Ventricular Tachycardia. Identifiers: Orphanet 3286, MedGen C1631597, MONDO:0011484, OMIM 604772.

Allele frequency attached by ClinVar (database versions not stated): gnomAD 0.00001; TOPMed 0.00001.
gnomAD v4.1: 1 of 1,613,498 alleles (0.000062%); highest among the groups gnomAD compares: African/African-American, 0.0013%; no homozygotes.

Submissions (5):

CeGaT Center for Human Genetics Tuebingen
Classification: Uncertain significance. Last evaluated: 2025-08-01. Review status: criteria provided, single submitter. Criteria: CeGaT Center For Human Genetics Tuebingen Variant Classification Criteria Version 2. Collection method: clinical testing. Allele origin: germline. Affected: yes. Observed: 1 variant allele.
Comment: RYR2: PM2

Women's Health and Genetics/Laboratory Corporation of America, LabCorp
Classification: Uncertain significance. Last evaluated: 2025-05-20. Review status: criteria provided, single submitter. Criteria: LabCorp Variant Classification Summary - May 2015. Collection method: clinical testing. Allele origin: germline.
Comment: Variant summary: RYR2 c.2440C>A (p.Leu814Ile) results in a conservative amino acid change in the encoded protein sequence. Algorithms developed to predict the effect of missense changes on protein structure and function are either unavailable or do not agree on the potential impact of this missense change. The variant was absent in 248590 control chromosomes. The available data on variant occurrences in the general population are insufficient to allow any conclusion about variant significance. c.2440C>A has been observed in at least one individual affected with sudden unexplained infant death without strong evidence for causality (e.g. Bard_2024). These report(s) do not provide unequivocal conclusions about association of the variant with Catecholaminergic Polymorphic Ventricular Tachycardia. To our knowledge, no experimental evidence demonstrating an impact on protein function has been reported. The following publication has been ascertained in the context of this evaluation (PMID: 38895864). ClinVar contains an entry for this variant (Variation ID: 1979838). Based on the evidence outlined above, the variant was classified as uncertain significance.

Labcorp Genetics (formerly Invitae), Labcorp
Classification: Uncertain significance for Catecholaminergic polymorphic ventricular tachycardia 1. Last evaluated: 2025-04-02. Review status: criteria provided, single submitter. Criteria: Invitae Variant Classification Sherloc (09022015). Collection method: clinical testing. Allele origin: germline.
Comment: This sequence change replaces leucine, which is neutral and non-polar, with isoleucine, which is neutral and non-polar, at codon 814 of the RYR2 protein (p.Leu814Ile). This variant is not present in population databases (gnomAD no frequency). This variant has not been reported in the literature in individuals affected with RYR2-related conditions. ClinVar contains an entry for this variant (Variation ID: 1979838). Invitae Evidence Modeling of protein sequence and biophysical properties (such as structural, functional, and spatial information, amino acid conservation, physicochemical variation, residue mobility, and thermodynamic stability) indicates that this missense variant is not expected to disrupt RYR2 protein function with a negative predictive value of 95%. In summary, the available evidence is currently insufficient to determine the role of this variant in disease. Therefore, it has been classified as a Variant of Uncertain Significance.

Ambry Genetics
Classification: Uncertain significance for Cardiovascular phenotype. Last evaluated: 2023-11-28. Review status: criteria provided, single submitter. Criteria: Ambry Variant Classification Scheme 2023. Collection method: clinical testing. Allele origin: germline.
Comment: The p.L814I variant (also known as c.2440C>A), located in coding exon 22 of the RYR2 gene, results from a C to A substitution at nucleotide position 2440. The leucine at codon 814 is replaced by isoleucine, an amino acid with highly similar properties. This amino acid position is highly conserved in available vertebrate species. In addition, this alteration is predicted to be tolerated by in silico analysis. Since supporting evidence is limited at this time, the clinical significance of this alteration remains unclear.

All of Us Research Program, National Institutes of Health
Classification: Uncertain significance for Catecholaminergic polymorphic ventricular tachycardia. Last evaluated: 2023-03-04. Review status: criteria provided, single submitter. Criteria: ACMG Guidelines, 2015. Collection method: clinical testing. Allele origin: germline. Inheritance: Autosomal dominant inheritance. Observed: 1 variant allele, 1 heterozygote.
Comment: This study involves interpretation of variants in research participants for the purpose of population health screening. Participant phenotype was not available at the time of variant classification. Additional details can be found in publication PMID: 35346344, PMCID: PMC8962531

Literature cited by the submitters: PubMed 38895864 (cited by Women's Health and Genetics/Laboratory Corporation of America, LabCorp).

NM_001035.3(RYR2):c.2440C>A (p.Leu814Ile)

Gene: RYR2 (ryanodine receptor 2; plus strand). Cytogenetic location: 1q43.
Variant type: single nucleotide variant.
Coding change: c.2440C>A on transcript NM_001035.3 (MANE Select); coding-DNA position 2440, C replaced by A.
Protein change: p.Leu814Ile; replaces leucine 814 with isoleucine.
Molecular consequence: missense variant.
Genome position (GRCh38, 1-based): chr1:237,503,332, C>A. VCF-style: chr1-237503332-C-A. GRCh37 (hg19) VCF-style: chr1-237666632-C-A.
Other names: c.2440C>A (NM_001035.2); short protein forms L814I.
Identifiers: ClinVar variation 1979838 (VCV001979838.15), dbSNP rs1036978678, ClinGen allele CA39780608.
Genomic context (GRCh38, chr1:237,503,332, plus strand): 5'-ACGTGCATCCTCTTTAGAGTACGCTTTCTGCTTGGAGGGCGACATGGAGAATTCAAATTT[C>A]TTCCTCCACCTGGGTATGCTCCTTGTTATGAAGCTGTTCTGCCAAAAGAAAAGTTGAAAG-3'
Protein context (NP_001026.2, residues 804-824): LGGRHGEFKF[Leu814Ile]PPPGYAPCYE